The following is an entry in ClinVar:

NM_001378964.1(CDON):c.*3777G>A

Gene: CDON (cell adhesion associated, oncogene regulated; minus strand). Cytogenetic location: 11q24.2.
Variant type: single nucleotide variant.
Coding change: c.*3777G>A on transcript NM_001378964.1 (MANE Select); 3777 bases downstream of the stop codon, G replaced by A.
Molecular consequence: 3 prime UTR variant.
Genome position (GRCh38, 1-based): chr11:125,957,165, C>T on the plus strand (G>A on the coding strand, the complement: CDON is on the minus strand). VCF-style: chr11-125957165-C-T. GRCh37 (hg19) VCF-style: chr11-125827060-C-T.
Other names: c.*3777G>A (NM_001243597.3, NM_016952.6).
Identifiers: ClinVar variation 879179 (VCV000879179.4), dbSNP rs74527873, ClinGen allele CA230549121.

ClinVar aggregate classification (germline): Benign (1 of 4 stars; one submission).

Conditions:
Holoprosencephaly 11 (HPE11). Identifiers: Orphanet 2162, MedGen C3280215, MONDO:0013642, OMIM 614226.

Allele frequency attached by ClinVar (database versions not stated): TOPMed 0.00689; 1000 Genomes Project 30x 0.00906; gnomAD 0.00675 and 0.00643; 1000 Genomes Project 0.00899.

Submission:

Illumina Laboratory Services, Illumina
Classification: Benign for Holoprosencephaly 11. Last evaluated: 2018-01-13. Review status: criteria provided, single submitter. Criteria: ICSL Variant Classification Criteria 13 December 2019. Collection method: clinical testing. Allele origin: germline.
Comment: This variant was observed in the ICSL laboratory as part of a predisposition screen in an ostensibly healthy population. It had not been previously curated by ICSL or reported in the Human Gene Mutation Database (HGMD: prior to June 1st, 2018), and was therefore a candidate for classification through an automated scoring system. Utilizing variant allele frequency, disease prevalence and penetrance estimates, and inheritance mode, an automated score was calculated to assess if this variant is too frequent to cause the disease. Based on the score and internal cut-off values, a variant classified as benign is not then subjected to further curation. The score for this variant resulted in a classification of benign for this disease.